The following is an entry in ClinVar:

NM_001377530.1(DMBT1):c.14C>A (p.Thr5Lys)

Gene: DMBT1 (deleted in malignant brain tumors 1; plus strand). Cytogenetic location: 10q26.13.
Variant type: single nucleotide variant.
Coding change: c.14C>A on transcript NM_001377530.1 (MANE Select); coding-DNA position 14, C replaced by A.
Protein change: p.Thr5Lys; replaces threonine 5 with lysine.
Molecular consequence: missense variant.
Genome position (GRCh38, 1-based): chr10:122,560,784, C>A. VCF-style: chr10-122560784-C-A. GRCh37 (hg19) VCF-style: chr10-124320300-C-A.
Other names: c.14C>A, p.Thr5Lys (NM_001320644.2, NM_004406.3, NM_007329.3 and 1 more transcripts); short protein forms T5K.
Identifiers: ClinVar variation 3047751 (VCV003047751.2), dbSNP rs75610148, ClinGen allele CA5726199.

ClinVar aggregate classification (germline): Likely benign (0 of 4 stars; one submission).

Conditions:
DMBT1-related disorder. Also called: DMBT1-related condition.

Allele frequency attached by ClinVar (database versions not stated): gnomAD exomes 0.00005; ESP Exome Variant Server 0.00034; ExAC 0.00048; gnomAD 0.00060; TOPMed 0.00075; 1000 Genomes Project 0.00140; 1000 Genomes Project 30x 0.00141.

Submission:

PreventionGenetics, part of Exact Sciences
Classification: Likely benign for DMBT1-related condition. Last evaluated: 2023-03-13. Review status: no assertion criteria provided. Collection method: clinical testing. Allele origin: germline.
Comment: This variant is classified as likely benign based on ACMG/AMP sequence variant interpretation guidelines (Richards et al. 2015 PMID: 25741868, with internal and published modifications).